The following is an entry in ClinVar:

NM_002181.4(IHH):c.249del (p.Asn84fs)

Gene: IHH (Indian hedgehog signaling molecule; minus strand). Cytogenetic location: 2q35.
Variant type: Deletion.
Coding change: c.249del on transcript NM_002181.4 (MANE Select); coding-DNA position 249, one base deleted (C; older notation c.249delC).
Protein change: p.Asn84fs; shifts the reading frame from asparagine 84.
Molecular consequence: frameshift variant.
Genome position (GRCh38, 1-based): chr2:219,060,219, G deleted on the plus strand (C on the coding strand, the reverse complement: IHH is on the minus strand); the first of 5 consecutive G bases (chr2:219,060,219-219,060,223); deleting any one gives the same sequence. VCF-style (leftmost placement, unchanged base first): chr2-219060218-TG-T. GRCh37 (hg19) VCF-style: chr2-219924940-TG-T.
Other names: short protein forms N84fs.
Identifiers: ClinVar variation 5041841 (VCV005041841.1).

ClinVar aggregate classification (germline): Likely pathogenic (1 of 4 stars; one submission).

Submission:

CeGaT Center for Human Genetics Tuebingen
Classification: Likely pathogenic. Last evaluated: 2026-09-01. Review status: criteria provided, single submitter. Criteria: CeGaT Center For Human Genetics Tuebingen Variant Classification Criteria Version 2. Collection method: clinical testing. Allele origin: germline. Affected: yes. Observed: 1 variant allele.
Comment: IHH: PVS1:Strong, PM2